The following is an entry in ClinVar:

NM_006389.5(HYOU1):c.930G>A (p.Leu310=)

Gene: HYOU1 (hypoxia up-regulated 1; minus strand). Cytogenetic location: 11q23.3.
Variant type: single nucleotide variant.
Coding change: c.930G>A on transcript NM_006389.5 (MANE Select); coding-DNA position 930, G replaced by A.
Protein change: p.Leu310=; no amino-acid change (leucine 310 retained).
Molecular consequence: synonymous variant.
Genome position (GRCh38, 1-based): chr11:119,052,694, C>T on the plus strand (G>A on the coding strand, the complement: HYOU1 is on the minus strand). VCF-style: chr11-119052694-C-T. GRCh37 (hg19) VCF-style: chr11-118923406-C-T.
Other names: c.930G>A, p.Leu310= (NM_001130991.3, NM_001411041.1).
Identifiers: ClinVar variation 2779161 (VCV002779161.3), dbSNP rs2497175741, ClinGen allele CA2739271767.

ClinVar aggregate classification (germline): Uncertain significance (1 of 4 stars; one submission).

Submission:

Labcorp Genetics (formerly Invitae), Labcorp
Classification: Uncertain significance. Last evaluated: 2023-02-05. Review status: criteria provided, single submitter. Criteria: Invitae Variant Classification Sherloc (09022015). Collection method: clinical testing. Allele origin: germline.
Comment: This sequence change affects codon 310 of the HYOU1 mRNA. It is a 'silent' change, meaning that it does not change the encoded amino acid sequence of the HYOU1 protein. This variant is not present in population databases (gnomAD no frequency). This variant has not been reported in the literature in individuals affected with HYOU1-related conditions. In summary, the available evidence is currently insufficient to determine the role of this variant in disease. Therefore, it has been classified as a Variant of Uncertain Significance.